The following is an entry in ClinVar:

NM_002335.4(LRP5):c.2626G>T (p.Gly876Cys)

Gene: LRP5 (LDL receptor related protein 5; plus strand). Cytogenetic location: 11q13.2.
Variant type: single nucleotide variant.
Coding change: c.2626G>T on transcript NM_002335.4 (MANE Select); coding-DNA position 2626, G replaced by T.
Protein change: p.Gly876Cys; replaces glycine 876 with cysteine.
Molecular consequence: missense variant.
Genome position (GRCh38, 1-based): chr11:68,413,811, G>T. VCF-style: chr11-68413811-G-T. GRCh37 (hg19) VCF-style: chr11-68181279-G-T.
Other names: c.883G>T, p.Gly295Cys (NM_001291902.2); short protein forms G295C, G876C.
Identifiers: ClinVar variation 1034652 (VCV001034652.10), dbSNP rs1473893176, ClinGen allele CA381618572.

ClinVar aggregate classification (germline): Uncertain significance (1 of 4 stars; one submission).

Allele frequency attached by ClinVar (database versions not stated): gnomAD exomes below 0.00001.
gnomAD v4.1: 1 of 1,613,644 alleles (0.000062%); highest among the groups gnomAD compares: Admixed American, 0.0017%; no homozygotes.

Submission:

Labcorp Genetics (formerly Invitae), Labcorp
Classification: Uncertain significance. Last evaluated: 2022-04-10. Review status: criteria provided, single submitter. Criteria: Invitae Variant Classification Sherloc (09022015). Collection method: clinical testing. Allele origin: germline.
Comment: This sequence change replaces glycine, which is neutral and non-polar, with cysteine, which is neutral and slightly polar, at codon 876 of the LRP5 protein (p.Gly876Cys). The frequency data for this variant in the population databases is considered unreliable, as metrics indicate poor data quality at this position in the gnomAD database. This variant has not been reported in the literature in individuals affected with LRP5-related conditions. ClinVar contains an entry for this variant (Variation ID: 1034652). Advanced modeling of protein sequence and biophysical properties (such as structural, functional, and spatial information, amino acid conservation, physicochemical variation, residue mobility, and thermodynamic stability) performed at Invitae indicates that this missense variant is expected to disrupt LRP5 protein function. In summary, the available evidence is currently insufficient to determine the role of this variant in disease. Therefore, it has been classified as a Variant of Uncertain Significance.